The following is an entry in ClinVar:

NM_004855.5(PIGB):c.1469A>G (p.Asp490Gly)

Gene: PIGB (phosphatidylinositol glycan anchor biosynthesis class B; plus strand). Cytogenetic location: 15q21.3.
Variant type: single nucleotide variant.
Coding change: c.1469A>G on transcript NM_004855.5 (MANE Select); coding-DNA position 1469, A replaced by G.
Protein change: p.Asp490Gly; replaces aspartic acid 490 with glycine.
Molecular consequence: missense variant.
Genome position (GRCh38, 1-based): chr15:55,354,929, A>G. VCF-style: chr15-55354929-A-G. GRCh37 (hg19) VCF-style: chr15-55647127-A-G.
Other names: short protein forms D490G.
Identifiers: ClinVar variation 4776798 (VCV004776798.1).

ClinVar aggregate classification (germline): Uncertain significance (1 of 4 stars; one submission).

gnomAD v4.1: 1 of 1,613,262 alleles (0.000062%); highest among the groups gnomAD compares: Middle Eastern, 0.016%; no homozygotes.

Submission:

Labcorp Genetics (formerly Invitae), Labcorp
Classification: Uncertain significance. Last evaluated: 2026-01-12. Review status: criteria provided, single submitter. Criteria: Invitae Variant Classification Sherloc (09022015). Collection method: clinical testing. Allele origin: germline.
Comment: This sequence change replaces aspartic acid, which is acidic and polar, with glycine, which is neutral and non-polar, at codon 490 of the PIGB protein (p.Asp490Gly). This variant is not present in population databases (gnomAD no frequency). This variant has not been reported in the literature in individuals affected with PIGB-related conditions. Invitae Evidence Modeling of protein sequence and biophysical properties (such as structural, functional, and spatial information, amino acid conservation, physicochemical variation, residue mobility, and thermodynamic stability) indicates that this missense variant is not expected to disrupt PIGB protein function with a negative predictive value of 80%. In summary, the available evidence is currently insufficient to determine the role of this variant in disease. Therefore, it has been classified as a Variant of Uncertain Significance.